The following is an entry in ClinVar:

NM_022095.4(ZNF335):c.4006G>A (p.Val1336Ile)

Gene: ZNF335 (zinc finger protein 335; minus strand). Cytogenetic location: 20q13.12.
Variant type: single nucleotide variant.
Coding change: c.4006G>A on transcript NM_022095.4 (MANE Select); coding-DNA position 4006, G replaced by A.
Protein change: p.Val1336Ile; replaces valine 1336 with isoleucine.
Molecular consequence: missense variant.
Genome position (GRCh38, 1-based): chr20:45,948,976, C>T on the plus strand (G>A on the coding strand, the complement: ZNF335 is on the minus strand). VCF-style: chr20-45948976-C-T. GRCh37 (hg19) VCF-style: chr20-44577615-C-T.
Other names: short protein forms V1336I.
Identifiers: ClinVar variation 437341 (VCV000437341.7), dbSNP rs372687838, ClinGen allele CA9884736.

ClinVar aggregate classification (germline): Uncertain significance. Review status: criteria provided, multiple submitters, no conflicts (2 of 4 stars). 2 submissions from 2 submitters: Uncertain significance (2). Last evaluated 2022-10-04.

Allele frequency attached by ClinVar (database versions not stated): gnomAD 0.00011 and 0.00012; ESP Exome Variant Server 0.00015; gnomAD exomes 0.00015 and 0.00023; TOPMed 0.00015; ExAC 0.00025; 1000 Genomes Project 30x 0.00047; 1000 Genomes Project 0.00060.

Submissions (2):

Labcorp Genetics (formerly Invitae), Labcorp
Classification: Uncertain significance. Last evaluated: 2022-10-04. Review status: criteria provided, single submitter. Criteria: Invitae Variant Classification Sherloc (09022015). Collection method: clinical testing. Allele origin: germline.
Comment: This sequence change replaces valine, which is neutral and non-polar, with isoleucine, which is neutral and non-polar, at codon 1336 of the ZNF335 protein (p.Val1336Ile). This variant is present in population databases (rs372687838, gnomAD 0.06%). This variant has not been reported in the literature in individuals affected with ZNF335-related conditions. ClinVar contains an entry for this variant (Variation ID: 437341). Algorithms developed to predict the effect of missense changes on protein structure and function (SIFT, PolyPhen-2, Align-GVGD) all suggest that this variant is likely to be disruptive. In summary, the available evidence is currently insufficient to determine the role of this variant in disease. Therefore, it has been classified as a Variant of Uncertain Significance.

Genetic Services Laboratory, University of Chicago
Classification: Uncertain significance. Last evaluated: 2015-12-11. Review status: criteria provided, single submitter. Criteria: ACMG Guidelines, 2015. Collection method: clinical testing. Allele origin: germline. Affected: no.